The following is an entry in ClinVar:

ClinVar aggregate classification (germline): Uncertain significance (1 of 4 stars; one submission).

Submission:

Labcorp Genetics (formerly Invitae), Labcorp
Classification: Uncertain significance. Last evaluated: 2025-02-13. Review status: criteria provided, single submitter. Criteria: Invitae Variant Classification Sherloc (09022015). Collection method: clinical testing. Allele origin: germline.
Comment: This sequence change replaces histidine, which is basic and polar, with arginine, which is basic and polar, at codon 110 of the NFKB1 protein (p.His110Arg). This variant is not present in population databases (gnomAD no frequency). This variant has not been reported in the literature in individuals affected with NFKB1-related conditions. ClinVar contains an entry for this variant (Variation ID: 1465151). Invitae Evidence Modeling of protein sequence and biophysical properties (such as structural, functional, and spatial information, amino acid conservation, physicochemical variation, residue mobility, and thermodynamic stability) indicates that this missense variant is expected to disrupt NFKB1 protein function with a positive predictive value of 80%. In summary, the available evidence is currently insufficient to determine the role of this variant in disease. Therefore, it has been classified as a Variant of Uncertain Significance.

NM_003998.4(NFKB1):c.329A>G (p.His110Arg)

Gene: NFKB1 (nuclear factor kappa B subunit 1; plus strand). Cytogenetic location: 4q24.
Variant type: single nucleotide variant.
Coding change: c.329A>G on transcript NM_003998.4 (MANE Select); coding-DNA position 329, A replaced by G.
Protein change: p.His110Arg; replaces histidine 110 with arginine.
Molecular consequence: missense variant.
Genome position (GRCh38, 1-based): chr4:102,567,057, A>G. VCF-style: chr4-102567057-A-G. GRCh37 (hg19) VCF-style: chr4-103488214-A-G.
Other names: c.326A>G, p.His109Arg (NM_001165412.2, NM_001319226.2, NM_001382627.1); c.329A>G, p.His110Arg (NM_001382625.1, NM_001382626.1); c.287A>G, p.His96Arg (NM_001382628.1); short protein forms H96R, H109R, H110R.
Identifiers: ClinVar variation 1465151 (VCV001465151.8), dbSNP rs2149168233, ClinGen allele CA357958851.